The following is an entry in ClinVar:

ClinVar aggregate classification (germline): Uncertain significance. Review status: criteria provided, multiple submitters, no conflicts (2 of 4 stars). 4 submissions from 4 submitters: Uncertain significance (4). Last evaluated 2025-09-14.

Conditions:
Colorectal cancer, susceptibility to, 1. Also called: COLORECTAL ADENOMA AND CANCER, SUSCEPTIBILITY TO; COLORECTAL CANCER, SUSCEPTIBILITY TO, ON CHROMOSOME 9. Identifiers: MedGen C1837315, MONDO:0012132, OMIM 608812.

Allele frequency attached by ClinVar (database versions not stated): gnomAD exomes 0.00009; ExAC 0.00010; gnomAD 0.00012 and 0.00014; ESP Exome Variant Server 0.00015; TOPMed 0.00008.

Submissions (4):

Labcorp Genetics (formerly Invitae), Labcorp
Classification: Uncertain significance. Last evaluated: 2025-09-14. Review status: criteria provided, single submitter. Criteria: Invitae Variant Classification Sherloc (09022015). Collection method: clinical testing. Allele origin: germline.
Comment: This sequence change replaces valine, which is neutral and non-polar, with phenylalanine, which is neutral and non-polar, at codon 290 of the GALNT12 protein (p.Val290Phe). This variant is present in population databases (rs371949942, gnomAD 0.02%). This missense change has been observed in individual(s) with breast cancer and/or colorectal cancer (PMID: 29749045, 36315513). ClinVar contains an entry for this variant (Variation ID: 485644). Invitae Evidence Modeling of protein sequence and biophysical properties (such as structural, functional, and spatial information, amino acid conservation, physicochemical variation, residue mobility, and thermodynamic stability) indicates that this missense variant is not expected to disrupt GALNT12 protein function with a negative predictive value of 80%. Experimental studies have shown that this missense change affects GALNT12 function (PMID: 29749045). In summary, the available evidence is currently insufficient to determine the role of this variant in disease. Therefore, it has been classified as a Variant of Uncertain Significance.

Ambry Genetics
Classification: Uncertain significance. Last evaluated: 2024-09-30. Review status: criteria provided, single submitter. Criteria: Ambry Variant Classification Scheme 2023. Collection method: clinical testing. Allele origin: germline.
Comment: The p.V290F variant (also known as c.868G>T), located in coding exon 4 of the GALNT12 gene, results from a G to T substitution at nucleotide position 868. The valine at codon 290 is replaced by phenylalanine, an amino acid with highly similar properties. This alteration has been reported in 1 of 479 colorectal cancer cases from Newfoundland and was not seen in any of the 400 control subjects (Evans DR et al. Hum. Mutat., 2018 Aug;39:1092-1101). This amino acid position is well conserved in available vertebrate species. In addition, the in silico prediction for this alteration is inconclusive. Since supporting evidence is limited at this time, the clinical significance of this alteration remains unclear.

Baylor Genetics
Classification: Uncertain significance for Colorectal cancer, susceptibility to, 1. Last evaluated: 2024-03-27. Review status: criteria provided, single submitter. Criteria: ACMG Guidelines, 2015. Collection method: clinical testing. Allele origin: unknown.

Quest Diagnostics Nichols Institute San Juan Capistrano
Classification: Uncertain significance. Last evaluated: 2023-07-27. Review status: criteria provided, single submitter. Criteria: Quest Diagnostics criteria. Collection method: clinical testing. Allele origin: unknown.
Comment: In the published literature, the variant has been reported in individuals with colorectal cancer (PMID: 29749045 (2018)) and breast cancer (PMID: 36315513 (2022)). An in-vitro functional study has reported that this variant results in significant reduction in GALNT12 enzymatic activity when compared to the wild-type construct (PMID: 29749045 (2018)). The frequency of this variant in the general population, 0.00028 (14/50772 chromosomes in North-Western European subpopulation), is higher than would generally be expected for pathogenic variants in this gene. Analysis of this variant using bioinformatics tools for the prediction of the effect of amino acid changes on protein structure and function yielded conflicting predictions that this variant is benign or damaging. Based on the available information, we are unable to determine the clinical significance of this variant.

Literature cited by the submitters: PubMed 29749045 (cited by 3 submitters); PubMed 36315513 (cited by Labcorp Genetics (formerly Invitae), Labcorp and Quest Diagnostics Nichols Institute San Juan Capistrano).

NM_024642.5(GALNT12):c.868G>T (p.Val290Phe)

Gene: GALNT12 (polypeptide N-acetylgalactosaminyltransferase 12; plus strand). Cytogenetic location: 9q22.33.
Variant type: single nucleotide variant.
Coding change: c.868G>T on transcript NM_024642.5 (MANE Select); coding-DNA position 868, G replaced by T.
Protein change: p.Val290Phe; replaces valine 290 with phenylalanine.
Molecular consequence: missense variant.
Genome position (GRCh38, 1-based): chr9:98,831,908, G>T. VCF-style: chr9-98831908-G-T. GRCh37 (hg19) VCF-style: chr9-101594190-G-T.
Other names: short protein forms V290F.
Identifiers: ClinVar variation 485644 (VCV000485644.18), dbSNP rs371949942, ClinGen allele CA5154083.